The following is an entry in ClinVar:

NM_000455.5(STK11):c.508C>T (p.Gln170Ter)

Gene: STK11 (serine/threonine kinase 11; plus strand). Cytogenetic location: 19p13.3.
Variant type: single nucleotide variant.
Coding change: c.508C>T on transcript NM_000455.5 (MANE Select); coding-DNA position 508, C replaced by T.
Protein change: p.Gln170Ter; replaces glutamine 170 with a stop codon.
Molecular consequence: nonsense.
Genome position (GRCh38, 1-based): chr19:1,220,416, C>T. VCF-style: chr19-1220416-C-T. GRCh37 (hg19) VCF-style: chr19-1220415-C-T.
Other names: E170*; short protein forms Q170*.
Identifiers: ClinVar variation 7455 (VCV000007455.6), dbSNP rs121913323, ClinGen allele CA023056.

ClinVar aggregate classification (germline): Pathogenic. Review status: criteria provided, single submitter (1 of 4 stars). 2 submissions from 2 submitters: Pathogenic (1). 1 of the submissions does not count toward it. Last evaluated 2022-05-12.

Conditions:
Melanoma, cutaneous malignant, susceptibility to, 1 (CMM1). Also called: B-K MOLE SYNDROME; DYSPLASTIC NEVUS SYNDROME, HEREDITARY; FAMILIAL ATYPICAL MOLE-MALIGNANT MELANOMA SYNDROME; MELANOMA, MALIGNANT. Identifiers: Orphanet 618, MedGen C1835047, MONDO:0007963, OMIM 155600.
Peutz-Jeghers syndrome (PJS). Also called: Peutz-Jeghers polyposis; Periorificial lentiginosis syndrome; POLYPOSIS, HAMARTOMATOUS INTESTINAL; POLYPS-AND-SPOTS SYNDROME. Identifiers: Orphanet 2869, MedGen C0031269, MeSH D010580, MONDO:0008280, OMIM 175200.

Submissions (2):

Labcorp Genetics (formerly Invitae), Labcorp
Classification: Pathogenic for Peutz-Jeghers syndrome. Last evaluated: 2022-05-12. Review status: criteria provided, single submitter. Criteria: Invitae Variant Classification Sherloc (09022015). Collection method: clinical testing. Allele origin: germline.
Comment: This sequence change creates a premature translational stop signal (p.Gln170*) in the STK11 gene. It is expected to result in an absent or disrupted protein product. Loss-of-function variants in STK11 are known to be pathogenic (PMID: 15188174, 16287113). This variant is not present in population databases (gnomAD no frequency). This premature translational stop signal has been observed in individual(s) with Peutz-Jeghers syndrome (PMID: 11668633). ClinVar contains an entry for this variant (Variation ID: 7455). For these reasons, this variant has been classified as Pathogenic.

OMIM
Classification: Pathogenic for MELANOMA, MALIGNANT, SOMATIC. Last evaluated: 1999-03-04. Review status: no assertion criteria provided. Collection method: literature only. Allele origin: somatic. Not counted in ClinVar's aggregate classification.

Literature cited by the submitters: PubMed 15188174 (cited by Labcorp Genetics (formerly Invitae), Labcorp); PubMed 16287113 (cited by Labcorp Genetics (formerly Invitae), Labcorp); PubMed 11668633 (cited by Labcorp Genetics (formerly Invitae), Labcorp); PubMed 10208439 (cited by OMIM).